The following is an entry in ClinVar:

ClinVar aggregate classification (germline): Conflicting classifications of pathogenicity. Review status: criteria provided, conflicting classifications (1 of 4 stars). 4 submissions from 4 submitters: Uncertain significance (1); Likely benign (3). Last evaluated 2026-05-29.

Conditions:
CNGA3-related disorder. Also called: CNGA3-related condition.

Allele frequency attached by ClinVar (database versions not stated): ExAC 0.00007; gnomAD 0.00007 and 0.00008; gnomAD exomes 0.00010 and 0.00019; TOPMed 0.00014; ESP Exome Variant Server 0.00015.
gnomAD v4.1: 281 of 1,614,008 alleles (0.017%); highest among the groups gnomAD compares: Non-Finnish European, 0.023%; no homozygotes.

Submissions (4):

PreventionGenetics, part of Exact Sciences
Classification: Uncertain significance for CNGA3-related condition. Last evaluated: 2026-05-29. Review status: criteria provided, single submitter. Criteria: ACMG Guidelines, 2015. Collection method: clinical testing. Allele origin: germline.
Comment: The CNGA3 c.408G>A variant is not predicted to result in an amino acid change (p.=). This variant is predicted to alter splicing based on available splicing prediction programs (SpliceAI, Jaganathan et al. 2019. PubMed ID: 30661751). However, the use of computer prediction programs is not equivalent to functional evidence. To our knowledge, this variant has not been reported in the literature. This variant is reported in 0.017% of alleles in individuals of European (Non-Finnish) descent in gnomAD. At this time, the clinical significance of this variant is uncertain due to the absence of conclusive functional and genetic evidence.

Labcorp Genetics (formerly Invitae), Labcorp
Classification: Likely benign. Last evaluated: 2025-10-07. Review status: criteria provided, single submitter. Criteria: Invitae Variant Classification Sherloc (09022015). Collection method: clinical testing. Allele origin: germline.

Blueprint Genetics
Classification: Likely benign. Last evaluated: 2024-06-05. Review status: criteria provided, single submitter. Criteria: ACMG Guidelines, 2015. Collection method: clinical testing. Allele origin: germline.

Breakthrough Genomics
Classification: Likely benign. Review status: criteria provided, single submitter. Criteria: ACMG Guidelines, 2015. Collection method: not provided. Allele origin: germline. Inheritance: Autosomal recessive inheritance. Affected: yes.

NM_001298.3(CNGA3):c.408G>A (p.Leu136=)

Gene: CNGA3 (cyclic nucleotide gated channel subunit alpha 3; plus strand). Cytogenetic location: 2q11.2.
Variant type: single nucleotide variant.
Coding change: c.408G>A on transcript NM_001298.3 (MANE Select); coding-DNA position 408, G replaced by A.
Protein change: p.Leu136=; no amino-acid change (leucine 136 retained).
Molecular consequence: synonymous variant. On other transcripts: intron variant (1).
Genome position (GRCh38, 1-based): chr2:98,383,400, G>A. VCF-style: chr2-98383400-G-A. GRCh37 (hg19) VCF-style: chr2-98999863-G-A.
Other names: c.395+3046G>A (NM_001079878.2).
Identifiers: ClinVar variation 777564 (VCV000777564.11), dbSNP rs376332352, ClinGen allele CA1793733.